The following is an entry in ClinVar:

ClinVar aggregate classification (germline): Likely pathogenic (1 of 4 stars; one submission).

Submission:

Dasa
Classification: Likely pathogenic. Last evaluated: 2025-04-15. Review status: criteria provided, single submitter. Criteria: DASA Assertion Criteria. Collection method: clinical testing. Allele origin: germline.
Comment: NM_030632.3(ASXL3):c.4894_4895del (p.Glu1632Ilefs*13) is a frameshift variant in ASXL3 predicted to alter the reading frame and introduce a premature termination codon and is predicted to result in an absent or altered protein product. Loss of function is an established disease mechanism for ASXL3 (PMID: 23383720; PMID: 26647312; PMID: 27901041). Also, this variant is absent from population databases. Based on the currently available evidence, this variant is classified as likely pathogenic.

Literature cited by the submitters: PubMed 23383720; PubMed 26647312; PubMed 27901041.

NM_030632.3(ASXL3):c.4894_4895del (p.Glu1632fs)

Gene: ASXL3 (ASXL transcriptional regulator 3; plus strand). Cytogenetic location: 18q12.1.
Variant type: Deletion.
Coding change: c.4894_4895del on transcript NM_030632.3 (MANE Select); coding-DNA positions 4894 to 4895, 2 bases deleted (GA; older notation c.4894_4895delGA).
Protein change: p.Glu1632fs; shifts the reading frame from glutamic acid 1632.
Molecular consequence: frameshift variant.
Genome position (GRCh38, 1-based): chr18:33,744,742-33,744,743, GA deleted; deleting any 2 consecutive bases within chr18:33,744,741-33,744,743 gives the same sequence; the c. name uses the placement nearest the transcript's 3' end. VCF-style (leftmost placement, unchanged base first): chr18-33744740-AAG-A. GRCh37 (hg19) VCF-style: chr18-31324704-AAG-A.
Other names: short protein forms E1632fs.
Identifiers: ClinVar variation 4886552 (VCV004886552.2).